The following is an entry in ClinVar:

NM_001127208.3(TET2):c.511T>A (p.Cys171Ser)

Genes: TET2 (tet methylcytosine dioxygenase 2; plus strand), TET2-AS1 (TET2 antisense RNA 1; minus strand). Cytogenetic location: 4q24.
Variant type: single nucleotide variant.
Coding change: c.511T>A on transcript NM_001127208.3 (MANE Select); coding-DNA position 511, T replaced by A.
Protein change: p.Cys171Ser; replaces cysteine 171 with serine.
Molecular consequence: missense variant.
Genome position (GRCh38, 1-based): chr4:105,234,453, T>A. VCF-style: chr4-105234453-T-A. GRCh37 (hg19) VCF-style: chr4-106155610-T-A.
Other names: c.511T>A, p.Cys171Ser (NM_017628.4); short protein forms C171S.
Identifiers: ClinVar variation 3805925 (VCV003805925.1).
Genomic context (GRCh38, chr4:105,234,453, plus strand): 5'-GTGAGTTCTGTAGCCCAAGAAAATGCAGTTAAAGATTTCACCAGTTTTTCAACACATAAC[T>A]GCAGTGGGCCTGAAAATCCAGAGCTTCAGATTCTGAATGAGCAGGAGGGGAAAAGTGCTA-3'
Protein context (NP_001120680.1, residues 161-181): KDFTSFSTHN[Cys171Ser]SGPENPELQI

ClinVar aggregate classification (germline): Uncertain significance (1 of 4 stars; one submission).

gnomAD v4.1: 1 of 1,614,002 alleles (0.000062%); highest among the groups gnomAD compares: Non-Finnish European, 0.000085%; no homozygotes.

Submission:

Ambry Genetics
Classification: Uncertain significance. Last evaluated: 2025-01-04. Review status: criteria provided, single submitter. Criteria: Ambry Variant Classification Scheme 2023. Collection method: clinical testing. Allele origin: germline.
Comment: The p.C171S variant (also known as c.511T>A), located in coding exon 1 of the TET2 gene, results from a T to A substitution at nucleotide position 511. The cysteine at codon 171 is replaced by serine, an amino acid with dissimilar properties. This amino acid position is conserved. In addition, this alteration is predicted to be tolerated by in silico analysis. Based on the available evidence, the clinical significance of this variant remains unclear.